The following is an entry in ClinVar:

NM_025114.4(CEP290):c.5735G>A (p.Trp1912Ter)

Gene: CEP290 (centrosomal protein 290; minus strand). Cytogenetic location: 12q21.32.
Variant type: single nucleotide variant.
Coding change: c.5735G>A on transcript NM_025114.4 (MANE Select); coding-DNA position 5735, G replaced by A.
Protein change: p.Trp1912Ter; replaces tryptophan 1912 with a stop codon.
Molecular consequence: nonsense.
Genome position (GRCh38, 1-based): chr12:88,071,901, C>T on the plus strand (G>A on the coding strand, the complement: CEP290 is on the minus strand). VCF-style: chr12-88071901-C-T. GRCh37 (hg19) VCF-style: chr12-88465678-C-T.
Other names: short protein forms W1912*.
Identifiers: ClinVar variation 3575385 (VCV003575385.2).
Genomic context (GRCh38, chr12:88,071,901, plus strand): 5'-TTCTCTTTTAACTTGTTTCGAATTCCTTCTATTTTGGCTTGCCACTTTTTACCTTCTTCC[C>T]ACCTAATTAATTCTTCTTTAGCATTCTGTAACAATAACGAAGGAGGTAGGAAAATTACCA-3'

ClinVar aggregate classification (germline): Pathogenic/Likely pathogenic. Review status: criteria provided, multiple submitters, no conflicts (2 of 4 stars). 2 submissions from 2 submitters: Pathogenic (1); Likely pathogenic (1). Last evaluated 2024-12-30.

Conditions:
Joubert syndrome 5 (JBTS5). Identifiers: Orphanet 2318, MedGen C1857780, MONDO:0012432, OMIM 610188.
Senior-Loken syndrome 6 (SLSN6). Identifiers: Orphanet 3156, MedGen C1857779, MONDO:0012433, OMIM 610189.
Bardet-Biedl syndrome 14 (BBS14). Identifiers: Orphanet 110, MedGen C2673874, MONDO:0014442, OMIM 615991.
Meckel syndrome, type 4 (MKS4). Also called: MECKEL-GRUBER SYNDROME, TYPE 4. Identifiers: Orphanet 564, MedGen C1970161, MONDO:0012626, OMIM 611134.
Leber congenital amaurosis 10 (LCA10). Identifiers: Orphanet 65, MedGen C1857821, MONDO:0012723, OMIM 611755.
CEP290-related ciliopathy. Also called: CEP290 ciliopathy. Identifiers: MedGen CN305601, MONDO:0100451.

Submissions (2):

Myriad Genetics, Inc.
Classification: Pathogenic for CEP290-related ciliopathy. Last evaluated: 2024-12-30. Review status: criteria provided, single submitter. Criteria: Myriad Autosomal Dominant, Autosomal Recessive and X-Linked Classification Criteria (2023). Collection method: clinical testing. Allele origin: unknown.
Comment: NM_025114.3(CEP290):c.5735G>A(W1912*) is expected to be pathogenic in the context of CEP290-related disorders. This variant is predicted to lead to an abnormal or absent protein product due to the creation of a premature termination codon in CEP290, a gene where loss-of-function variants are known to be pathogenic. Please note: this variant was assessed in the context of healthy population screening.

Fulgent Genetics
Classification: Likely pathogenic for Joubert syndrome 5; Senior-Loken syndrome 6; Meckel syndrome, type 4; Leber congenital amaurosis 10; Bardet-Biedl syndrome 14. Last evaluated: 2024-03-20. Review status: criteria provided, single submitter. Criteria: ACMG Guidelines, 2015. Collection method: clinical testing. Allele origin: germline.